The following is an entry in ClinVar:

NM_002615.7(SERPINF1):c.1076G>A (p.Arg359Gln)

Gene: SERPINF1 (serpin family F member 1; plus strand). Cytogenetic location: 17p13.3.
Variant type: single nucleotide variant.
Coding change: c.1076G>A on transcript NM_002615.7 (MANE Select); coding-DNA position 1076, G replaced by A.
Protein change: p.Arg359Gln; replaces arginine 359 with glutamine.
Molecular consequence: missense variant.
Genome position (GRCh38, 1-based): chr17:1,777,265, G>A. VCF-style: chr17-1777265-G-A. GRCh37 (hg19) VCF-style: chr17-1680559-G-A.
Other names: c.1076G>A, p.Arg359Gln (NM_001329903.2); c.515G>A, p.Arg172Gln (NM_001329904.2, NM_001329905.2); short protein forms R172Q, R359Q.
Identifiers: ClinVar variation 1212331 (VCV001212331.11), dbSNP rs144198046, ClinGen allele CA8274949.
Genomic context (GRCh38, chr17:1,777,265, plus strand): 5'-ATTCACCAGACTTTAGCAAGATCACAGGCAAACCCATCAAGCTGACTCAGGTGGAACACC[G>A]GGCTGGCTTTGAGTGGAACGAGGATGGGGCGGGAACCACCCCCAGCCCAGGGCTGCAGCC-3'
Protein context (NP_002606.3, residues 349-369): KPIKLTQVEH[Arg359Gln]AGFEWNEDGA

ClinVar aggregate classification (germline): Conflicting classifications of pathogenicity. Review status: criteria provided, conflicting classifications (1 of 4 stars). 5 submissions from 5 submitters: Uncertain significance (3); Likely benign (1). 1 of the submissions does not count toward it. Last evaluated 2025-09-02.

Conditions:
SERPINF1-related disorder. Also called: SERPINF1-related condition.

Allele frequency attached by ClinVar (database versions not stated): 1000 Genomes Project 30x 0.00016; 1000 Genomes Project 0.00020; gnomAD exomes 0.00029 and 0.00037; ExAC 0.00031; TOPMed 0.00032; ESP Exome Variant Server 0.00038; gnomAD 0.00047 and 0.00050.
gnomAD v4.1: 497 of 1,614,116 alleles (0.031%); highest among the groups gnomAD compares: African/African-American, 0.064%; 1 homozygote.

Submissions (5):

Labcorp Genetics (formerly Invitae), Labcorp
Classification: Uncertain significance. Last evaluated: 2025-09-02. Review status: criteria provided, single submitter. Criteria: Invitae Variant Classification Sherloc (09022015). Collection method: clinical testing. Allele origin: germline.
Comment: This sequence change replaces arginine, which is basic and polar, with glutamine, which is neutral and polar, at codon 359 of the SERPINF1 protein (p.Arg359Gln). This variant is present in population databases (rs144198046, gnomAD 0.2%). This variant has not been reported in the literature in individuals affected with SERPINF1-related conditions. ClinVar contains an entry for this variant (Variation ID: 1212331). Invitae Evidence Modeling of protein sequence and biophysical properties (such as structural, functional, and spatial information, amino acid conservation, physicochemical variation, residue mobility, and thermodynamic stability) indicates that this missense variant is not expected to disrupt SERPINF1 protein function with a negative predictive value of 80%. In summary, the available evidence is currently insufficient to determine the role of this variant in disease. Therefore, it has been classified as a Variant of Uncertain Significance.

Blueprint Genetics
Classification: Likely benign. Last evaluated: 2024-11-27. Review status: criteria provided, single submitter. Criteria: ACMG Guidelines, 2015. Collection method: clinical testing. Allele origin: germline.

Women's Health and Genetics/Laboratory Corporation of America, LabCorp
Classification: Uncertain significance. Last evaluated: 2022-02-21. Review status: criteria provided, single submitter. Criteria: LabCorp Variant Classification Summary - May 2015. Collection method: clinical testing. Allele origin: germline.
Comment: Variant summary: SERPINF1 c.1076G>A (p.Arg359Gln) results in a conservative amino acid change located in the Serpin domain (IPR023796) of the encoded protein sequence. Three of five in-silico tools predict a benign effect of the variant on protein function. The variant allele was found at a frequency of 0.00037 in 251478 control chromosomes (gnomAD). This frequency is not higher than expected for a pathogenic variant in SERPINF1 causing Osteogenesis Imperfecta (0.00037 vs 0.0011), allowing no conclusion about variant significance. To our knowledge, no occurrence of c.1076G>A in individuals affected with Osteogenesis Imperfecta and no experimental evidence demonstrating its impact on protein function have been reported. One clinical diagnostic laboratory has submitted clinical-significance assessments for this variant to ClinVar after 2014 and classified the variant as uncertain significance. Based on the evidence outlined above, the variant was classified as uncertain significance.

GeneDx
Classification: Uncertain significance. Last evaluated: 2020-09-14. Review status: criteria provided, single submitter. Criteria: GeneDx Variant Classification Process June 2021. Collection method: clinical testing. Allele origin: germline. Affected: yes.
Comment: In silico analysis supports that this missense variant does not alter protein structure/function; Has not been previously published as pathogenic or benign to our knowledge

PreventionGenetics, part of Exact Sciences
Classification: Likely benign for SERPINF1-related condition. Last evaluated: 2024-08-15. Review status: no assertion criteria provided. Collection method: clinical testing. Allele origin: germline. Not counted in ClinVar's aggregate classification.
Comment: This variant is classified as likely benign based on ACMG/AMP sequence variant interpretation guidelines (Richards et al. 2015 PMID: 25741868, with internal and published modifications).